The following is an entry in ClinVar:

NM_000051.4(ATM):c.2078G>T (p.Cys693Phe)

Gene: ATM (ATM serine/threonine kinase; plus strand). Cytogenetic location: 11q22.3.
Variant type: single nucleotide variant.
Coding change: c.2078G>T on transcript NM_000051.4 (MANE Select); coding-DNA position 2078, G replaced by T.
Protein change: p.Cys693Phe; replaces cysteine 693 with phenylalanine.
Molecular consequence: missense variant.
Genome position (GRCh38, 1-based): chr11:108,253,993, G>T. VCF-style: chr11-108253993-G-T. GRCh37 (hg19) VCF-style: chr11-108124720-G-T.
Other names: c.2078G>T, p.Cys693Phe (NM_001351834.2); short protein forms C693F.
Identifiers: ClinVar variation 1462251 (VCV001462251.6), dbSNP rs2135370698, ClinGen allele CA382537560.

ClinVar aggregate classification (germline): Uncertain significance (1 of 4 stars; one submission).

Conditions:
Ataxia-telangiectasia syndrome (AT). Also called: Ataxia-telangiectasia, complementation group D; AT, COMPLEMENTATION GROUP C; Cerebello-oculocutaneous telangiectasia; Immunodeficiency with ataxia telangiectasia; Ataxia-telangiectasia, complementation group E; LOUIS-BAR SYNDROME. Identifiers: Orphanet 100, MedGen C0004135, MONDO:0008840, OMIM 208900.

Submission:

Labcorp Genetics (formerly Invitae), Labcorp
Classification: Uncertain significance for Ataxia-telangiectasia syndrome. Last evaluated: 2021-10-19. Review status: criteria provided, single submitter. Criteria: Invitae Variant Classification Sherloc (09022015). Collection method: clinical testing. Allele origin: germline.
Comment: This sequence change replaces cysteine with phenylalanine at codon 693 of the ATM protein (p.Cys693Phe). The cysteine residue is weakly conserved and there is a large physicochemical difference between cysteine and phenylalanine. This variant is not present in population databases (ExAC no frequency). In summary, the available evidence is currently insufficient to determine the role of this variant in disease. Therefore, it has been classified as a Variant of Uncertain Significance. Advanced modeling of protein sequence and biophysical properties (such as structural, functional, and spatial information, amino acid conservation, physicochemical variation, residue mobility, and thermodynamic stability) performed at Invitae indicates that this missense variant is not expected to disrupt ATM protein function. This variant has not been reported in the literature in individuals affected with ATM-related conditions.